The following is an entry in ClinVar:

NC_012920.1(MT-TS2):m.12258C>A

Gene: MT-TS2 (mitochondrially encoded tRNA serine 2 (AGU/C); plus strand).
Variant type: single nucleotide variant.
Genome position: chrM-12258-C-A.
Other names: 12258C-A.
Identifiers: ClinVar variation 9560 (VCV000009560.2), dbSNP rs118203888, ClinGen allele CA120544.
Genomic context (GRCh38, chrMT:12,258, plus strand): 5'-TTATTTACCGAGAAAGCTCACAAGAACTGCTAACTCATGCCCCCATGTCTAACAACATGG[C>A]TTTCTCAACTTTTAAAGGATAACAGCTATCCATTGGTCTTAGGCCCCAAAAATTTTGGTG-3'

ClinVar aggregate classification (germline): Likely pathogenic. Review status: reviewed by expert panel (3 of 4 stars). 3 submissions from 2 submitters: Likely pathogenic (1). 2 of the submissions do not count toward it. Last evaluated 2023-03-28.

Conditions:
Mitochondrial disease. Also called: Mitochondrial disorder; Mitochondrial disorders. Identifiers: Orphanet 68380, MedGen C0751651, MeSH D028361, MONDO:0044970.
Cerebellar ataxia, cataract, and diabetes mellitus. Identifiers: MedGen C4016628.
Retinitis pigmentosa-deafness syndrome. Also called: RETINITIS PIGMENTOSA 21; RETINITIS PIGMENTOSA 8; Retinitis pigmentosa 8, formerly; RP8, formerly; Retinitis pigmentosa 21, formerly; RP21, formerly. Identifiers: MedGen C5779620, MONDO:0010775, OMIM 500004.

Submissions (3):

ClinGen Mitochondrial Disease Nuclear and Mitochondrial  Variant Curation Expert Panel, ClinGen
Classification: Likely pathogenic for Mitochondrial disease. Last evaluated: 2023-03-28. Review status: reviewed by expert panel. Criteria: McCormick et al. (Hum Mutat. 2020). Collection method: curation. Allele origin: germline. Inheritance: Mitochondrial inheritance.
Comment: The m.12258C>A variant in MT-TS2 gene has been reported in two unrelated individuals with primary mitochondrial disease (PS4_supporting). Family members of both probands were also affected. The age of onset was in adulthood and ranged from the 20s to 60s. Features seen in affected individuals include diabetes, cataracts, retinitis pigmentosa, hearing loss, and cerebellar ataxia (PMIDs: 9792552, 10090882). This variant segregated with disease in multiple affected members in both families and several healthy family members had lower to undetectable levels of the variant (PP1_moderate; PMIDs: 10090882, 9792552). There are no reported de novo occurrences of this variant to our knowledge. There is one occurrence in population databases (one occurrence in Mitomap GenBank sequences, absent in gnomAD v3.1.2 and Helix dataset). Although there is one occurrence, the frequency is still low (PM2_supporting). The computational predictor MitoTIP suggests this variant is pathogenic (95.3 percentile) and HmtVAR predicts it to be pathogenic with a score of 0.4 (PP3). Single fiber studies support the functional impact of this variant (PS3_supporting) as the level of variant in COX-positive fibers ranged from 23-71%, while in COX-negative fibers was present at >85% heteroplasmy (PMID: 9792552). In summary, this variant meets criteria to be classified as likely pathogenic for primary mitochondrial disease inherited in a mitochondrial manner. This classification was approved by the NICHD/NINDS U24 ClinGen Mitochondrial Disease Variant Curation Expert Panel on March 28, 2023. Mitochondrial DNA-specific ACMG/AMP criteria applied (PMID: 32906214): PS4_supporting, PP1_moderate, PM2_supporting, PP3, PS3_supporting.

OMIM
Classification: Pathogenic for CEREBELLAR ATAXIA, CATARACT, AND DIABETES MELLITUS. Last evaluated: 1999-04-01. Review status: no assertion criteria provided. Collection method: literature only. Allele origin: germline. Not counted in ClinVar's aggregate classification.

OMIM
Classification: Pathogenic for RETINITIS PIGMENTOSA-DEAFNESS SYNDROME. Last evaluated: 1999-04-01. Review status: no assertion criteria provided. Collection method: literature only. Allele origin: germline. Not counted in ClinVar's aggregate classification.

Literature cited by the submitters: PubMed 9792552 (cited by ClinGen Mitochondrial Disease Nuclear and Mitochondrial  Variant Curation Expert Panel, ClinGen and OMIM); PubMed 10090882 (cited by OMIM).